The following is an entry in ClinVar:

NM_001184.4(ATR):c.950A>G (p.Tyr317Cys)

Gene: ATR (ATR checkpoint kinase; minus strand). Cytogenetic location: 3q23.
Variant type: single nucleotide variant.
Coding change: c.950A>G on transcript NM_001184.4 (MANE Select); coding-DNA position 950, A replaced by G.
Protein change: p.Tyr317Cys; replaces tyrosine 317 with cysteine.
Molecular consequence: missense variant.
Genome position (GRCh38, 1-based): chr3:142,562,452, T>C on the plus strand (A>G on the coding strand, the complement: ATR is on the minus strand). VCF-style: chr3-142562452-T-C. GRCh37 (hg19) VCF-style: chr3-142281294-T-C.
Other names: c.950A>G, p.Tyr317Cys (NM_001354579.2); short protein forms Y317C.
Identifiers: ClinVar variation 1767206 (VCV001767206.3), dbSNP rs2473426221, ClinGen allele CA354824460.

ClinVar aggregate classification (germline): Uncertain significance (1 of 4 stars; one submission).

Conditions:
Inborn genetic diseases. Identifiers: MedGen C0950123, MeSH D030342.

Submission:

Ambry Genetics
Classification: Uncertain significance for Inborn genetic diseases. Last evaluated: 2024-08-07. Review status: criteria provided, single submitter. Criteria: Ambry Variant Classification Scheme 2023. Collection method: clinical testing. Allele origin: germline.
Comment: The p.Y317C variant (also known as c.950A>G), located in coding exon 4 of the ATR gene, results from an A to G substitution at nucleotide position 950. The tyrosine at codon 317 is replaced by cysteine, an amino acid with highly dissimilar properties. This amino acid position is conserved. In addition, the in silico prediction for this alteration is inconclusive. Since supporting evidence is limited at this time, the clinical significance of this alteration remains unclear.